The following is an entry in ClinVar:

NM_001040108.2(MLH3):c.2041T>C (p.Tyr681His)

Gene: MLH3 (mutL homolog 3; minus strand). Cytogenetic location: 14q24.3.
Variant type: single nucleotide variant.
Coding change: c.2041T>C on transcript NM_001040108.2 (MANE Select); coding-DNA position 2041, T replaced by C.
Protein change: p.Tyr681His; replaces tyrosine 681 with histidine.
Molecular consequence: missense variant.
Genome position (GRCh38, 1-based): chr14:75,047,615, A>G on the plus strand (T>C on the coding strand, the complement: MLH3 is on the minus strand). VCF-style: chr14-75047615-A-G. GRCh37 (hg19) VCF-style: chr14-75514318-A-G.
Other names: c.2041T>C, p.Tyr681His (NM_014381.3); short protein forms Y681H.
Identifiers: ClinVar variation 1784921 (VCV001784921.4), dbSNP rs2503280005, ClinGen allele CA390443271.
Genomic context (GRCh38, chr14:75,047,615, plus strand): 5'-TACCTTCCTGAAAAGCAGAAAACATTGTATAAGTTGCTGTAGGTTCATTCTCTAGCCCAT[A>G]ACTTATATTCGTTCTGCAATTTTTTTTGTTGGGCAATTGACCAGATTCTTTACTTAAAGT-3'
Protein context (NP_001035197.1, residues 671-691): NKKNCRTNIS[Tyr681His]GLENEPTATY

ClinVar aggregate classification (germline): Uncertain significance (1 of 4 stars; one submission).

Allele frequency attached by ClinVar (database versions not stated): gnomAD exomes below 0.00001.
gnomAD v4.1: 1 of 1,614,076 alleles (0.000062%); highest among the groups gnomAD compares: Non-Finnish European, 0.000085%; no homozygotes.

Submission:

Ambry Genetics
Classification: Uncertain significance. Last evaluated: 2025-11-11. Review status: criteria provided, single submitter. Criteria: Ambry Variant Classification Scheme 2023. Collection method: clinical testing. Allele origin: germline.
Comment: The p.Y681H variant (also known as c.2041T>C), located in coding exon 1 of the MLH3 gene, results from a T to C substitution at nucleotide position 2041. The tyrosine at codon 681 is replaced by histidine, an amino acid with similar properties. This amino acid position is poorly conserved in available vertebrate species. In addition, this alteration is predicted to be tolerated by in silico analysis. Since supporting evidence is limited at this time, the clinical significance of this alteration remains unclear.